The following is an entry in ClinVar:

ClinVar aggregate classification (germline): Conflicting classifications of pathogenicity. Review status: criteria provided, conflicting classifications (1 of 4 stars). 3 submissions from 3 submitters: Likely pathogenic (1); Uncertain significance (2). Last evaluated 2024-06-07.

Conditions:
EGR2-related disorder. Also called: EGR2-related condition.
Charcot-Marie-Tooth disease, type I (CMT1). Also called: Charcot-Marie-Tooth disease type 1; Charcot-Marie-Tooth, Type 1. Identifiers: Orphanet 65753, MedGen C0751036, MONDO:0019011.

Submissions (3):

3billion
Classification: Likely pathogenic for EGR2-related disorder. Last evaluated: 2024-06-07. Review status: criteria provided, single submitter. Criteria: ACMG Guidelines, 2015. Collection method: clinical testing. Allele origin: germline. Affected: yes.
Comment: The variant is not observed in the gnomAD v4.0.0 dataset. Predicted Consequence/Location: Missense changes are a common disease-causing mechanism. In silico tool predictions suggest damaging effect of the variant on gene or gene product [3Cnet: 0.78 (>=0.6, sensitivity 0.72 and precision 0.9)]. The same nucleotide change resulting in the same amino acid change has been previously reported to be associated with EGR2 related disorder (PMID: 27549087).Different missense changes at the same codon (p.Asp411Gly, p.Asp411Tyr) have been reported as pathogenic/likely pathogenic with strong evidence (ClinVar ID: VCV001176247, VCV001525978 /PMID: 31852952). Therefore, this variant is classified as Likely pathogenic according to the recommendation of ACMG/AMP guideline.

Blueprint Genetics
Classification: Uncertain significance. Last evaluated: 2020-09-16. Review status: criteria provided, single submitter. Criteria: ACMG Guidelines, 2015. Collection method: clinical testing. Allele origin: germline.

Labcorp Genetics (formerly Invitae), Labcorp
Classification: Uncertain significance for Charcot-Marie-Tooth disease, type I. Last evaluated: 2020-02-12. Review status: criteria provided, single submitter. Criteria: Invitae Variant Classification Sherloc (09022015). Collection method: clinical testing. Allele origin: germline.
Comment: Algorithms developed to predict the effect of missense changes on protein structure and function are either unavailable or do not agree on the potential impact of this missense change (SIFT: "Tolerated"; PolyPhen-2: "Possibly Damaging"; Align-GVGD: "Class C0"). In summary, the available evidence is currently insufficient to determine the role of this variant in disease. Therefore, it has been classified as a Variant of Uncertain Significance. This variant has been observed in an individual affected with peripheral neuropathy (PMID: 27549087). This variant is not present in population databases (ExAC no frequency). This sequence change replaces aspartic acid with asparagine at codon 411 of the EGR2 protein (p.Asp411Asn). The aspartic acid residue is highly conserved and there is a small physicochemical difference between aspartic acid and asparagine.

Literature cited by the submitters: PubMed 27549087 (cited by 3billion and Labcorp Genetics (formerly Invitae), Labcorp); PubMed 31852952 (cited by 3billion).

NM_000399.5(EGR2):c.1231G>A (p.Asp411Asn)

Gene: EGR2 (early growth response 2; minus strand). Cytogenetic location: 10q21.3.
Variant type: single nucleotide variant.
Coding change: c.1231G>A on transcript NM_000399.5 (MANE Select); coding-DNA position 1231, G replaced by A.
Protein change: p.Asp411Asn; replaces aspartic acid 411 with asparagine.
Molecular consequence: missense variant.
Genome position (GRCh38, 1-based): chr10:62,813,407, C>T on the plus strand (G>A on the coding strand, the complement: EGR2 is on the minus strand). VCF-style: chr10-62813407-C-T. GRCh37 (hg19) VCF-style: chr10-64573167-C-T.
Other names: c.1231G>A, p.Asp411Asn (NM_001136177.3, NM_001136178.2); c.1081G>A, p.Asp361Asn (NM_001136179.3, NM_001321037.2); short protein forms D411N, D361N.
Identifiers: ClinVar variation 853089 (VCV000853089.10), dbSNP rs1842163821, ClinGen allele CA377027304.